The following is an entry in ClinVar:

ClinVar aggregate classification (germline): Uncertain significance. Review status: criteria provided, multiple submitters, no conflicts (2 of 4 stars). 2 submissions from 2 submitters: Uncertain significance (2). Last evaluated 2024-03-20.

Conditions:
Inborn genetic diseases. Identifiers: MedGen C0950123, MeSH D030342.

Allele frequency attached by ClinVar (database versions not stated): gnomAD exomes 0.00003; ExAC 0.00005; gnomAD 0.00010; TOPMed 0.00013.
gnomAD v4.1: 55 of 1,612,908 alleles (0.0034%); highest among the groups gnomAD compares: Admixed American, 0.068%; no homozygotes.

Submissions (2):

Ambry Genetics
Classification: Uncertain significance for Inborn genetic diseases. Last evaluated: 2024-03-20. Review status: criteria provided, single submitter. Criteria: Ambry Variant Classification Scheme 2023. Collection method: clinical testing. Allele origin: germline.

GeneDx
Classification: Uncertain significance. Last evaluated: 2022-05-24. Review status: criteria provided, single submitter. Criteria: GeneDx Variant Classification Process June 2021. Collection method: clinical testing. Allele origin: germline. Affected: yes.
Comment: In silico analysis supports that this missense variant does not alter protein structure/function; Has not been previously published as pathogenic or benign to our knowledge

NM_014738.6(TMEM94):c.2727G>C (p.Gln909His)

Gene: TMEM94 (transmembrane protein 94; plus strand). Cytogenetic location: 17q25.1.
Variant type: single nucleotide variant.
Coding change: c.2727G>C on transcript NM_014738.6 (MANE Select); coding-DNA position 2727, G replaced by C.
Protein change: p.Gln909His; replaces glutamine 909 with histidine.
Molecular consequence: missense variant.
Genome position (GRCh38, 1-based): chr17:75,495,033, G>C. VCF-style: chr17-75495033-G-C. GRCh37 (hg19) VCF-style: chr17-73491114-G-C.
Other names: c.2757G>C, p.Gln919His (NM_001321148.2); c.2739G>C, p.Gln913His (NM_001321149.2); c.2679G>C, p.Gln893His (NM_001351202.2); c.2754G>C, p.Gln918His (NM_001351203.2); c.2727G>C (NM_014738.4); short protein forms Q893H, Q909H, Q913H, Q918H, Q919H.
Identifiers: ClinVar variation 1801180 (VCV001801180.2), dbSNP rs776965582, ClinGen allele CA8762231.